The following is an entry in ClinVar:

ClinVar aggregate classification (germline): Likely pathogenic. Review status: criteria provided, multiple submitters, no conflicts (2 of 4 stars). 2 submissions from 2 submitters: Likely pathogenic (2). Last evaluated 2025-04-18.

Conditions:
Niemann-Pick disease, type A. Also called: Infantile Neurovisceral ASMD (Niemann-Pick Disease Type A; NPD-A); SPHINGOMYELIN LIPIDOSIS; SPHINGOMYELINASE DEFICIENCY. Identifiers: Orphanet 77292, MedGen C0268242, MONDO:0009756, OMIM 257200. Disease mechanism: loss of function.
Niemann-Pick disease, type B. Also called: Chronic Visceral ASMD (Niemann-Pick Disease Type B; NPD-B). Identifiers: Orphanet 77293, MedGen C0268243, MONDO:0011871, OMIM 607616. Disease mechanism: loss of function.

Submissions (2):

Natera, Inc.
Classification: Likely pathogenic for Niemann-Pick Disease, Types A/B. Last evaluated: 2025-04-18. Review status: criteria provided, single submitter. Criteria: Natera Variant Classification Schema (03/2026). Collection method: clinical testing. Allele origin: germline.
Comment: The c.955G>A variant in SMPD1 is a missense variant predicted to cause substitution of glycine to serine at amino acid 319. This variant is rare in the general population with a frequency below the threshold expected for the associated phenotype(s). This variant has been observed in one or more individuals affected with the associated recessive disease, as either homozygous or compound heterozygous with a second variant (PMID: 33675270). A different variant at the same position has been determined to be Pathogenic or Likely Pathogenic. Computational prediction algorithms indicate this variant is likely to affect gene or protein function. Given the available evidence, this variant is classified as Likely Pathogenic.

Huiwen Zhang's lab, Shanghai Jiao Tong University School of Medicine, Xinhua Hospital
Classification: Likely pathogenic for Niemann-Pick disease, type A; Niemann-Pick disease, type B. Last evaluated: 2020-12-30. Review status: criteria provided, single submitter. Criteria: ACMG Guidelines, 2015. Collection method: clinical testing. Allele origin: inherited. Affected: yes.

Literature cited by the submitters: PubMed 33675270 (cited by Natera, Inc.).

NM_000543.5(SMPD1):c.955G>A (p.Gly319Ser)

Gene: SMPD1 (sphingomyelin phosphodiesterase 1; plus strand). Cytogenetic location: 11p15.4.
Variant type: single nucleotide variant.
Coding change: c.955G>A on transcript NM_000543.5 (MANE Select); coding-DNA position 955, G replaced by A.
Protein change: p.Gly319Ser; replaces glycine 319 with serine.
Molecular consequence: missense variant. On other transcripts: 5 prime UTR variant (1), non-coding transcript variant (1).
Genome position (GRCh38, 1-based): chr11:6,392,020, G>A. VCF-style: chr11-6392020-G-A. GRCh37 (hg19) VCF-style: chr11-6413250-G-A.
Other names: c.952G>A, p.Gly318Ser (NM_001007593.3); c.955G>A, p.Gly319Ser (NM_001318087.2, NM_001365135.2); c.-7G>A (NM_001318088.2); short protein forms G318S, G319S.
Identifiers: ClinVar variation 992693 (VCV000992693.2), dbSNP rs757934797, ClinGen allele CA379371363.
Genomic context (GRCh38, chr11:6,392,020, plus strand): 5'-ACCACCGTCACAGCACTTGTGAGGAAGTTCCTGGGGCCAGTGCCAGTGTACCCTGCTGTG[G>A]GTAACCATGAAAGCACACCTGTCAATAGCTTCCCTCCCCCCTTCATTGAGGGCAACCACT-3'
Protein context (NP_000534.3, residues 309-329): LGPVPVYPAV[Gly319Ser]NHESTPVNSF